The following is an entry in ClinVar:

ClinVar aggregate classification (germline): Uncertain significance. Review status: criteria provided, multiple submitters, no conflicts (2 of 4 stars). 3 submissions from 3 submitters: Uncertain significance (2). 1 of the submissions does not count toward it. Last evaluated 2025-06-10.

Conditions:
Inborn genetic diseases. Identifiers: MedGen C0950123, MeSH D030342.
Hereditary fructosuria. Also called: ALDOB DEFICIENCY; ALDOLASE B DEFICIENCY; FRUCTOSE-1,6-BISPHOSPHATE ALDOLASE B DEFICIENCY; FRUCTOSE-1-PHOSPHATE ALDOLASE DEFICIENCY; FRUCTOSEMIA; Hereditary fructose intolerance. Identifiers: Orphanet 469, MedGen C0016751, MONDO:0009249, OMIM 229600, HP:0005973. Disease mechanism: loss of function.
ALDOB-related disorder. Also called: ALDOB-related condition.

Allele frequency attached by ClinVar (database versions not stated): ExAC 0.00007; gnomAD 0.00007 and 0.00008; gnomAD exomes 0.00007; TOPMed 0.00007; ESP Exome Variant Server 0.00015.
gnomAD v4.1: 116 of 1,613,906 alleles (0.0072%); highest among the groups gnomAD compares: Non-Finnish European, 0.0097%; no homozygotes.

Submissions (3):

Ambry Genetics
Classification: Uncertain significance for Inborn genetic diseases. Last evaluated: 2025-06-10. Review status: criteria provided, single submitter. Criteria: Ambry Variant Classification Scheme 2023. Collection method: clinical testing. Allele origin: germline.

Illumina Laboratory Services, Illumina
Classification: Uncertain significance for Hereditary fructosuria. Last evaluated: 2018-01-13. Review status: criteria provided, single submitter. Criteria: ICSL Variant Classification Criteria 13 December 2019. Collection method: clinical testing. Allele origin: germline.

PreventionGenetics, part of Exact Sciences
Classification: Uncertain significance for ALDOB-related condition. Last evaluated: 2024-08-13. Review status: no assertion criteria provided. Collection method: clinical testing. Allele origin: germline. Not counted in ClinVar's aggregate classification.
Comment: The ALDOB c.352G>A variant is predicted to result in the amino acid substitution p.Gly118Arg. To our knowledge, this variant has not been reported in the literature. This variant is reported in 0.015% of alleles in individuals of European (Non-Finnish) descent in gnomAD. At this time, the clinical significance of this variant is uncertain due to the absence of conclusive functional and genetic evidence.

NM_000035.4(ALDOB):c.352G>A (p.Gly118Arg)

Gene: ALDOB (aldolase, fructose-bisphosphate B; minus strand). Cytogenetic location: 9q31.1.
Variant type: single nucleotide variant.
Coding change: c.352G>A on transcript NM_000035.4 (MANE Select); coding-DNA position 352, G replaced by A.
Protein change: p.Gly118Arg; replaces glycine 118 with arginine.
Molecular consequence: missense variant.
Genome position (GRCh38, 1-based): chr9:101,428,496, C>T on the plus strand (G>A on the coding strand, the complement: ALDOB is on the minus strand). VCF-style: chr9-101428496-C-T. GRCh37 (hg19) VCF-style: chr9-104190778-C-T.
Other names: short protein forms G118R.
Identifiers: ClinVar variation 912482 (VCV000912482.8), dbSNP rs200382297, ClinGen allele CA5161648.